The following is an entry in ClinVar:

NM_003106.4(SOX2):c.141C>A (p.Ala47=)

Genes: SOX2 (SRY-box transcription factor 2; plus strand), SOX2-OT (SOX2 overlapping transcript; plus strand), LOC108281177 (SOX2 5' regulatory region; plus strand). Cytogenetic location: 3q26.33.
Variant type: single nucleotide variant.
Coding change: c.141C>A on transcript NM_003106.4 (MANE Select); coding-DNA position 141, C replaced by A.
Protein change: p.Ala47=; no amino-acid change (alanine 47 retained).
Molecular consequence: synonymous variant.
Genome position (GRCh38, 1-based): chr3:181,712,501, C>A. VCF-style: chr3-181712501-C-A. GRCh37 (hg19) VCF-style: chr3-181430289-C-A.
Identifiers: ClinVar variation 4873034 (VCV004873034.2).

ClinVar aggregate classification (germline): Likely benign (1 of 4 stars; one submission).

Submission:

CeGaT Center for Human Genetics Tuebingen
Classification: Likely benign. Last evaluated: 2026-06-01. Review status: criteria provided, single submitter. Criteria: CeGaT Center For Human Genetics Tuebingen Variant Classification Criteria Version 2. Collection method: clinical testing. Allele origin: germline. Affected: yes. Observed: 1 variant allele.
Comment: SOX2: PM2:Supporting, BP4, BP7